The following is an entry in ClinVar:

NM_000071.3(CBS):c.1580G>A (p.Arg527Gln)

Gene: CBS (cystathionine beta-synthase; minus strand). Cytogenetic location: 21q22.3.
Variant type: single nucleotide variant.
Coding change: c.1580G>A on transcript NM_000071.3 (MANE Select); coding-DNA position 1580, G replaced by A.
Protein change: p.Arg527Gln; replaces arginine 527 with glutamine.
Molecular consequence: missense variant.
Genome position (GRCh38, 1-based): chr21:43,053,956, C>T on the plus strand (G>A on the coding strand, the complement: CBS is on the minus strand). VCF-style: chr21-43053956-C-T. GRCh37 (hg19) VCF-style: chr21-44474066-C-T.
Other names: c.1580G>A, p.Arg527Gln (NM_001178008.3, NM_001178009.3, NM_001320298.2); c.1265G>A, p.Arg422Gln (NM_001321072.1); short protein forms R422Q, R527Q.
Identifiers: ClinVar variation 955762 (VCV000955762.11), dbSNP rs551198487, ClinGen allele CA321684735.
Genomic context (GRCh38, chr21:43,053,956, plus strand): 5'-TCCTGGGCGGCCACGAAGTTCAGCAAGTCAATGGCGGTGACCACCCCGAACACCATCTGC[C>T]GCTGACTGGACTTCCCGGTGCTGTGGTCTGAGGGGAGAACGAGGCAGTGGGTTTGCAGGT-3'
Protein context (NP_000062.1, residues 517-537): QYHSTGKSSQ[Arg527Gln]QMVFGVVTAI

ClinVar aggregate classification (germline): Uncertain significance. Review status: criteria provided, single submitter (1 of 4 stars). 2 submissions from 2 submitters: Uncertain significance (1). 1 of the submissions does not count toward it. Last evaluated 2024-03-11.

Conditions:
HYPERHOMOCYSTEINEMIA, THROMBOTIC, CBS-RELATED. Identifiers: MedGen C3150344, OMIM 236200.
Classic homocystinuria. Also called: HOMOCYSTINURIA WITH OR WITHOUT RESPONSE TO PYRIDOXINE; Homocystinuria due to Cystathionine Beta-Synthase Deficiency; Homocystinuria due to CBS deficiency; Cystathionine beta-synthase deficiency; CBS deficiency. Identifiers: Orphanet 394, MedGen C0751202, MONDO:0009352, OMIM 236200.

Submissions (2):

Labcorp Genetics (formerly Invitae), Labcorp
Classification: Uncertain significance for HYPERHOMOCYSTEINEMIA, THROMBOTIC, CBS-RELATED. Last evaluated: 2024-03-11. Review status: criteria provided, single submitter. Criteria: Invitae Variant Classification Sherloc (09022015). Collection method: clinical testing. Allele origin: germline.
Comment: This sequence change replaces arginine, which is basic and polar, with glutamine, which is neutral and polar, at codon 527 of the CBS protein (p.Arg527Gln). This variant is not present in population databases (gnomAD no frequency). This variant has not been reported in the literature in individuals affected with CBS-related conditions. ClinVar contains an entry for this variant (Variation ID: 955762). Algorithms developed to predict the effect of missense changes on protein structure and function output the following: SIFT: "Not Available"; PolyPhen-2: "Benign"; Align-GVGD: "Not Available". The glutamine amino acid residue is found in multiple mammalian species, which suggests that this missense change does not adversely affect protein function. In summary, the available evidence is currently insufficient to determine the role of this variant in disease. Therefore, it has been classified as a Variant of Uncertain Significance.

Natera, Inc.
Classification: Uncertain significance for Homocystinuria due to cystathionine beta-synthase deficiency. Last evaluated: 2020-01-28. Review status: no assertion criteria provided. Collection method: clinical testing. Allele origin: germline. Not counted in ClinVar's aggregate classification.